The following is an entry in ClinVar:

ClinVar aggregate classification (germline): Benign/Likely benign. Review status: criteria provided, multiple submitters, no conflicts (2 of 4 stars). 4 submissions from 4 submitters: Benign (2); Likely benign (2). Last evaluated 2025-02-15.

Conditions:
Familial thoracic aortic aneurysm and aortic dissection (TAAD). Also called: Thoracic aortic aneurysms and dissections. Identifiers: Orphanet 91387, MedGen C4707243, MONDO:0019625.
Aortic aneurysm, familial thoracic 4 (AAT4). Also called: AORTIC ANEURYSM/AORTIC DISSECTION AND PATENT DUCTUS ARTERIOSUS. Identifiers: MedGen C1851504, MONDO:0007568, OMIM 132900.

Allele frequency attached by ClinVar (database versions not stated): TOPMed 0.00002; ExAC 0.00004; gnomAD exomes 0.00004.
gnomAD v4.1: 19 of 1,614,170 alleles (0.0012%); highest among the groups gnomAD compares: East Asian, 0.038%; no homozygotes.

Submissions (4):

Labcorp Genetics (formerly Invitae), Labcorp
Classification: Likely benign for Aortic aneurysm, familial thoracic 4. Last evaluated: 2025-02-15. Review status: criteria provided, single submitter. Criteria: Invitae Variant Classification Sherloc (09022015). Collection method: clinical testing. Allele origin: germline.

All of Us Research Program, National Institutes of Health
Classification: Benign for Familial thoracic aortic aneurysm and aortic dissection. Last evaluated: 2023-08-15. Review status: criteria provided, single submitter. Criteria: ACMG Guidelines, 2015. Collection method: clinical testing. Allele origin: germline. Inheritance: Autosomal dominant inheritance. Observed: 3 variant alleles, 3 heterozygotes.
Comment: This study involves interpretation of variants in research participants for the purpose of population health screening. Participant phenotype was not available at the time of variant classification. Additional details can be found in publication PMID: 35346344, PMCID: PMC8962531

Ambry Genetics
Classification: Likely benign for Familial thoracic aortic aneurysm and aortic dissection. Last evaluated: 2021-10-19. Review status: criteria provided, single submitter. Criteria: Ambry Variant Classification Scheme 2023. Collection method: clinical testing. Allele origin: germline.

Color Diagnostics, LLC DBA Color Health
Classification: Benign for Familial thoracic aortic aneurysm and aortic dissection. Last evaluated: 2019-11-24. Review status: criteria provided, single submitter. Criteria: ACMG Guidelines, 2015. Collection method: clinical testing. Allele origin: germline.

NM_002474.3(MYH11):c.2592C>T (p.Thr864=)

Gene: MYH11 (myosin heavy chain 11; minus strand). Cytogenetic location: 16p13.11.
Variant type: single nucleotide variant.
Coding change: c.2592C>T on transcript NM_002474.3 (MANE Select); coding-DNA position 2592, C replaced by T.
Protein change: p.Thr864=; no amino-acid change (threonine 864 retained).
Molecular consequence: synonymous variant.
Genome position (GRCh38, 1-based): chr16:15,741,820, G>A on the plus strand (C>T on the coding strand, the complement: MYH11 is on the minus strand). VCF-style: chr16-15741820-G-A. GRCh37 (hg19) VCF-style: chr16-15835677-G-A.
Other names: c.2613C>T, p.Thr871= (NM_001040113.2, NM_001040114.2); c.2592C>T, p.Thr864= (NM_022844.3).
Identifiers: ClinVar variation 928095 (VCV000928095.12), dbSNP rs771714041, ClinGen allele CA7922224.